The following is an entry in ClinVar:

NM_001127649.3(PEX26):c.217G>C (p.Glu73Gln)

Gene: PEX26 (peroxisomal biogenesis factor 26; plus strand). Cytogenetic location: 22q11.21.
Variant type: single nucleotide variant.
Coding change: c.217G>C on transcript NM_001127649.3 (MANE Select); coding-DNA position 217, G replaced by C.
Protein change: p.Glu73Gln; replaces glutamic acid 73 with glutamine.
Molecular consequence: missense variant.
Genome position (GRCh38, 1-based): chr22:18,078,593, G>C. VCF-style: chr22-18078593-G-C. GRCh37 (hg19) VCF-style: chr22-18561359-G-C.
Other names: c.217G>C, p.Glu73Gln (NM_001199319.2, NM_017929.6); c.217G>C (NM_017929.5); short protein forms E73Q.
Identifiers: ClinVar variation 1365529 (VCV001365529.9), dbSNP rs758179855, ClinGen allele CA10093248.
Genomic context (GRCh38, chr22:18,078,593, plus strand): 5'-GCGGCGCTGGAGACCTGCGAGCGGGCCTGGCAGAGTCTGGCCAACCACGCCGTGGCAGAG[G>C]AACCCGCGGGCACGTACGTGCTGGGCTCGGAAATGAACCGATTTCCGGGCGCTCTTGTGG-3'
Protein context (NP_001121121.1, residues 63-83): QSLANHAVAE[Glu73Gln]PAGTSLEVKC

ClinVar aggregate classification (germline): Uncertain significance. Review status: criteria provided, multiple submitters, no conflicts (2 of 4 stars). 2 submissions from 2 submitters: Uncertain significance (2). Last evaluated 2025-12-13.

Conditions:
PEX26-related disorder. Also called: PEX26-related condition.
Peroxisome biogenesis disorder 7A (Zellweger). Also called: Peroxisome biogenesis disorder 7A. Identifiers: Orphanet 912, MedGen C3888385, MONDO:0013938, OMIM 614872.
Peroxisome biogenesis disorder 7B (PBD7B). Identifiers: Orphanet 44, MedGen C3553951, MONDO:0013939, OMIM 614873.

Allele frequency attached by ClinVar (database versions not stated): gnomAD exomes below 0.00001 and 0.00001; ExAC 0.00002.

Submissions (2):

PreventionGenetics, part of Exact Sciences
Classification: Uncertain significance for PEX26-related condition. Last evaluated: 2025-12-13. Review status: criteria provided, single submitter. Criteria: ACMG Guidelines, 2015. Collection method: clinical testing. Allele origin: germline.
Comment: The PEX26 c.217G>C variant is predicted to result in the amino acid substitution p.Glu73Gln. To our knowledge, this variant has not been reported in the literature. This variant is reported in 0.0061% of alleles in individuals of Latino descent in gnomAD. At this time, the clinical significance of this variant is uncertain due to the absence of conclusive functional and genetic evidence.

Labcorp Genetics (formerly Invitae), Labcorp
Classification: Uncertain significance for Peroxisome biogenesis disorder 7A (Zellweger); Peroxisome biogenesis disorder 7B. Last evaluated: 2021-07-03. Review status: criteria provided, single submitter. Criteria: Invitae Variant Classification Sherloc (09022015). Collection method: clinical testing. Allele origin: germline.
Comment: This variant is present in population databases (rs758179855, ExAC 0.03%). This variant has not been reported in the literature in individuals affected with PEX26-related conditions. Algorithms developed to predict the effect of missense changes on protein structure and function (SIFT, PolyPhen-2, Align-GVGD) all suggest that this variant is likely to be tolerated. In summary, the available evidence is currently insufficient to determine the role of this variant in disease. Therefore, it has been classified as a Variant of Uncertain Significance. This sequence change replaces glutamic acid with glutamine at codon 73 of the PEX26 protein (p.Glu73Gln). The glutamic acid residue is weakly conserved and there is a small physicochemical difference between glutamic acid and glutamine.